The following is an entry in ClinVar:

NM_201384.3(PLEC):c.8855T>C (p.Val2952Ala)

Gene: PLEC (plectin; minus strand). Cytogenetic location: 8q24.3.
Variant type: single nucleotide variant.
Coding change: c.8855T>C on transcript NM_201384.3 (MANE Select); coding-DNA position 8855, T replaced by C.
Protein change: p.Val2952Ala; replaces valine 2952 with alanine.
Molecular consequence: missense variant.
Genome position (GRCh38, 1-based): chr8:143,920,966, A>G on the plus strand (T>C on the coding strand, the complement: PLEC is on the minus strand). VCF-style: chr8-143920966-A-G. GRCh37 (hg19) VCF-style: chr8-144995134-A-G.
Other names: c.8936T>C, p.Val2979Ala (NM_000445.5); c.5555T>C, p.Val1852Ala (NM_001410941.1); c.8813T>C, p.Val2938Ala (NM_201378.4); c.8789T>C, p.Val2930Ala (NM_201379.3); c.9266T>C, p.Val3089Ala (NM_201380.4); c.8759T>C, p.Val2920Ala (NM_201381.3); c.8855T>C, p.Val2952Ala (NM_201382.4); c.8867T>C, p.Val2956Ala (NM_201383.3); short protein forms V2938A, V2979A, V1852A, V2920A, V2930A, V2956A, V2952A, V3089A.
Identifiers: ClinVar variation 4783958 (VCV004783958.1).

ClinVar aggregate classification (germline): Uncertain significance (1 of 4 stars; one submission).

Conditions:
Epidermolysis bullosa simplex with nail dystrophy (EBS5D). Identifiers: MedGen C4225309, MONDO:0014661, OMIM 616487.
Epidermolysis bullosa simplex, Ogna type (EBS5A). Also called: Pidermolysis bullosa simplex 5A, Ogna type; EPIDERMOLYSIS BULLOSA SIMPLEX 5A, OGNA TYPE. Identifiers: Orphanet 79401, MedGen C0432317, MONDO:0007555, OMIM 131950.
Epidermolysis bullosa simplex 5B, with muscular dystrophy (EBS5B). Also called: Epidermolysis bullosa simplex with muscular dystrophy; EPIDERMOLYSIS BULLOSA SIMPLEX AND LIMB-GIRDLE MUSCULAR DYSTROPHY. Identifiers: Orphanet 257, MedGen C2931072, MONDO:0009181, OMIM 226670.
Autosomal recessive limb-girdle muscular dystrophy type 2Q (LGMDR17). Also called: MUSCULAR DYSTROPHY, LIMB-GIRDLE, AUTOSOMAL RECESSIVE 17. Identifiers: Orphanet 254361, MedGen C3150989, MONDO:0013390, OMIM 613723.
Epidermolysis bullosa simplex 5C, with pyloric atresia (EBS5C). Also called: PLEC-Related Epidermolysis Bullosa with Pyloric Atresia; Epidermolysis bullosa simplex with pyloric atresia; PLEC1-Related Epidermolysis Bullosa with Pyloric Atresia. Identifiers: Orphanet 158684, MedGen C2677349, MONDO:0012807, OMIM 612138.

Submission:

Labcorp Genetics (formerly Invitae), Labcorp
Classification: Uncertain significance for Autosomal recessive limb-girdle muscular dystrophy type 2Q; Epidermolysis bullosa simplex, Ogna type; Epidermolysis bullosa simplex with nail dystrophy; Epidermolysis bullosa simplex 5C, with pyloric atresia; Epidermolysis bullosa simplex 5B, with muscular dystrophy. Last evaluated: 2025-08-15. Review status: criteria provided, single submitter. Criteria: Invitae Variant Classification Sherloc (09022015). Collection method: clinical testing. Allele origin: germline.
Comment: This sequence change replaces valine, which is neutral and non-polar, with alanine, which is neutral and non-polar, at codon 2979 of the PLEC protein (p.Val2979Ala). This variant is not present in population databases (gnomAD no frequency). This variant has not been reported in the literature in individuals affected with PLEC-related conditions. An algorithm developed to predict the effect of missense changes on protein structure and function (PolyPhen-2) suggests that this variant is likely to be disruptive. In summary, the available evidence is currently insufficient to determine the role of this variant in disease. Therefore, it has been classified as a Variant of Uncertain Significance.